The following is an entry in ClinVar:

GRCh38/hg38 22q13.1(chr22:37468196-37606202)x1

Genes: CARD10 (caspase recruitment domain family member 10; minus strand), CDC42EP1 (CDC42 effector protein 1; plus strand), LGALS2 (galectin 2; minus strand), MFNG (MFNG O-fucosylpeptide 3-beta-N-acetylglucosaminyltransferase; minus strand), LOC111519898 (HNF1 motif-containing MPRA enhancer 93; plus strand) and 7 more. Cytogenetic location: 22q13.1.
Variant type: copy number loss.
Change: copy number 1 (one copy instead of two) of chr22:37,468,196-37,606,202 (138.0 kb, GRCh38 coordinates, 1-based), cytogenetic band 22q13.1.
Identifiers: ClinVar variation 4796407 (VCV004796407.1).

ClinVar aggregate classification (germline): Uncertain significance (1 of 4 stars; one submission).

Submission:

Medical Genetic Center, Changzhi Maternal and Child Health Care Hospital
Classification: Uncertain significance. Last evaluated: 2025-12-10. Review status: criteria provided, single submitter. Criteria: ACMG/ClinGen CNV Guidelines, 2019. Collection method: clinical testing. Allele origin: unknown.